The following is an entry in ClinVar:

ClinVar aggregate classification (germline): Uncertain significance (1 of 4 stars; one submission).

Conditions:
Agammaglobulinemia 2, autosomal recessive (AGM2). Also called: AGAMMAGLOBULINEMIA, AUTOSOMAL RECESSIVE, DUE TO IGLL1 DEFECT. Identifiers: MedGen C3150750, MONDO:0013287, OMIM 613500.

Submission:

Labcorp Genetics (formerly Invitae), Labcorp
Classification: Uncertain significance for Agammaglobulinemia 2, autosomal recessive. Last evaluated: 2025-11-03. Review status: criteria provided, single submitter. Criteria: Invitae Variant Classification Sherloc (09022015). Collection method: clinical testing. Allele origin: germline.
Comment: This sequence change replaces serine, which is neutral and polar, with cysteine, which is neutral and slightly polar, at codon 166 of the IGLL1 protein (p.Ser166Cys). This variant is not present in population databases (gnomAD no frequency). This variant has not been reported in the literature in individuals affected with IGLL1-related conditions. ClinVar contains an entry for this variant (Variation ID: 2053155). An algorithm developed to predict the effect of missense changes on protein structure and function (PolyPhen-2) suggests that this variant is likely to be disruptive. In summary, the available evidence is currently insufficient to determine the role of this variant in disease. Therefore, it has been classified as a Variant of Uncertain Significance.

NM_020070.4(IGLL1):c.497C>G (p.Ser166Cys)

Gene: IGLL1 (immunoglobulin lambda like polypeptide 1; minus strand). Cytogenetic location: 22q11.23.
Variant type: single nucleotide variant.
Coding change: c.497C>G on transcript NM_020070.4 (MANE Select); coding-DNA position 497, C replaced by G.
Protein change: p.Ser166Cys; replaces serine 166 with cysteine.
Molecular consequence: missense variant. On other transcripts: 3 prime UTR variant (1).
Genome position (GRCh38, 1-based): chr22:23,573,411, G>C on the plus strand (C>G on the coding strand, the complement: IGLL1 is on the minus strand). VCF-style: chr22-23573411-G-C. GRCh37 (hg19) VCF-style: chr22-23915598-G-C.
Other names: c.500C>G, p.Ser167Cys (NM_001369906.1); c.*126C>G (NM_152855.3); short protein forms S167C, S166C.
Identifiers: ClinVar variation 2053155 (VCV002053155.4), dbSNP rs2517399702, ClinGen allele CA410898631.